The following is an entry in ClinVar:

ClinVar aggregate classification (germline): Pathogenic. Review status: criteria provided, multiple submitters, no conflicts (2 of 4 stars). 14 submissions from 14 submitters: Pathogenic (11). 3 of the submissions do not count toward it. Last evaluated 2026-08-01.

Conditions:
Hereditary ataxia. Also called: Hereditary Ataxias. Identifiers: Orphanet 183518, MedGen C0004138, MONDO:0100309, MONDO:0000557.
Spinocerebellar ataxia type 13 (SCA13). Also called: Spinocerebellar Ataxia Type13. Identifiers: Orphanet 98768, MedGen C1854488, MONDO:0011529, OMIM 605259.

Submissions (14):

CeGaT Center for Human Genetics Tuebingen
Classification: Pathogenic. Last evaluated: 2026-08-01. Review status: criteria provided, single submitter. Criteria: CeGaT Center For Human Genetics Tuebingen Variant Classification Criteria Version 2. Collection method: clinical testing. Allele origin: germline. Affected: yes. Observed: 3 variant alleles.
Comment: KCNC3: PS4, PM1, PM2, PS3:Moderate, PP3, PS2:Supporting

Clinical Genetics Laboratory, Skane University Hospital Lund
Classification: Pathogenic for Spinocerebellar ataxia type 13. Last evaluated: 2026-05-19. Review status: criteria provided, single submitter. Criteria: ACMG Guidelines, 2015. Collection method: clinical testing. Allele origin: germline. Affected: yes.
Comment: ACMG criteria used: PS3_Supporting, PS4, PM2, PP1_Moderate, PP3

GeneDx
Classification: Pathogenic. Last evaluated: 2024-01-10. Review status: criteria provided, single submitter. Criteria: GeneDx Variant Classification Process June 2021. Collection method: clinical testing. Allele origin: germline. Affected: yes.
Comment: In silico analysis supports that this missense variant has a deleterious effect on protein structure/function; Not observed in large population cohorts (gnomAD); This variant is associated with the following publications: (PMID: 23734863, 23912307, 18592334, 20712895, 22736459, 21543613, 22289912, 25152487, 24116147, 25756792, 28216058, 29915382, 25497598, 23215817, 37365508, 35401678, 37301203, 35902028, 37887032, 36741467, 16501573)

Athena Diagnostics
Classification: Pathogenic. Last evaluated: 2023-10-27. Review status: criteria provided, single submitter. Criteria: Athena Diagnostics Criteria. Collection method: clinical testing. Allele origin: unknown.
Comment: This variant has been identified in multiple unrelated individuals with clinical features associated with this gene. This variant has not been reported in large, multi-ethnic general populations (Genome Aggregation Database (gnomAD), Cambridge, MA (URL)). This variant segregates with disease in multiple families. Assessment of experimental evidence suggests this variant results in abnormal protein function. (PMID: 16501573, 20712895, 22289912, 22736459, 32644043) The variant is located in a region that is considered important for protein function and/or structure.

Labcorp Genetics (formerly Invitae), Labcorp
Classification: Pathogenic. Last evaluated: 2022-12-12. Review status: criteria provided, single submitter. Criteria: Invitae Variant Classification Sherloc (09022015). Collection method: clinical testing. Allele origin: germline.
Comment: This sequence change replaces arginine, which is basic and polar, with histidine, which is basic and polar, at codon 420 of the KCNC3 protein (p.Arg420His). This variant is not present in population databases (gnomAD no frequency). This missense change has been observed in individual(s) with autosomal dominant spinocerebellar ataxia (PMID: 16501573). It has also been observed to segregate with disease in related individuals. ClinVar contains an entry for this variant (Variation ID: 13473). Advanced modeling of protein sequence and biophysical properties (such as structural, functional, and spatial information, amino acid conservation, physicochemical variation, residue mobility, and thermodynamic stability) performed at Invitae indicates that this missense variant is expected to disrupt KCNC3 protein function. Studies have shown that this missense change alters KCNC3 gene expression (PMID: 16501573). For these reasons, this variant has been classified as Pathogenic.

MGZ Medical Genetics Center
Classification: Pathogenic for Spinocerebellar ataxia type 13. Last evaluated: 2022-08-01. Review status: criteria provided, single submitter. Criteria: ACMG Guidelines, 2015. Collection method: clinical testing. Allele origin: germline. Affected: yes. Observed: 2 variant alleles.
Comment: ACMG criteria applied: PS3, PS4_MOD, PP1_MOD, PM2_SUP, PP2

3billion
Classification: Pathogenic for Spinocerebellar ataxia type 13. Last evaluated: 2022-05-22. Review status: criteria provided, single submitter. Criteria: ACMG Guidelines, 2015. Collection method: clinical testing. Allele origin: germline. Affected: yes. Observed: 1 heterozygote.
Comment: The variant is not observed in the gnomAD v2.1.1 dataset. Missense changes are a common disease-causing mechanism. Functional studies provide strong evidence of the variant having a damaging effect on the gene or gene product (PMID: 16501573). In silico tool predictions suggest damaging effect of the variant on gene or gene product (REVEL: 0.95; 3Cnet: 0.76). Same nucleotide change resulting in same amino acid change has been previously reported as pathogenic/likely pathogenic with strong evidence (ClinVar ID: VCV000013473). Therefore, this variant is classified as pathogenic according to the recommendation of ACMG/AMP guideline.

Fulgent Genetics
Classification: Pathogenic for Spinocerebellar ataxia type 13. Last evaluated: 2021-10-20. Review status: criteria provided, single submitter. Criteria: ACMG Guidelines, 2015. Collection method: clinical testing. Allele origin: unknown.

Cambridge Genomics Laboratory, East Genomic Laboratory Hub, NHS Genomic Medicine Service
Classification: Pathogenic for Hereditary ataxia. Last evaluated: 2019-07-23. Review status: criteria provided, single submitter. Criteria: ACGS Best Practice Guidelines for Variant Classification in Rare Disease 2020. Collection method: clinical testing. Allele origin: germline. Affected: yes. Observed: 1 variant allele.

Genetic Services Laboratory, University of Chicago
Classification: Pathogenic for Spinocerebellar ataxia 13. Last evaluated: 2016-08-08. Review status: criteria provided, single submitter. Criteria: ACMG Guidelines, 2015. Collection method: clinical testing. Allele origin: germline. Affected: yes.

Institute of Human Genetics, University Hospital of Duesseldorf
Classification: Pathogenic for Spinocerebellar ataxia type 13. Review status: criteria provided, single submitter. Criteria: ACMG Guidelines, 2015. Collection method: not provided. Allele origin: germline. Inheritance: Autosomal dominant inheritance. Affected: yes.

Clinical Genetics Laboratory, University Hospital Schleswig-Holstein
Classification: Pathogenic for Spinocerebellar ataxia type 13. Last evaluated: 2021-08-23. Review status: no assertion criteria provided. Collection method: clinical testing. Allele origin: germline. Affected: yes. Not counted in ClinVar's aggregate classification.

O&I group, Department of Genetics, University Medical Center of Groningen
Classification: Pathogenic for Spinocerebellar ataxia type 13. Last evaluated: 2021-07-22. Review status: no assertion criteria provided. Collection method: research. Allele origin: unknown. Affected: yes. Not counted in ClinVar's aggregate classification.

OMIM
Classification: Pathogenic for SPINOCEREBELLAR ATAXIA 13. Last evaluated: 2006-04-01. Review status: no assertion criteria provided. Collection method: literature only. Allele origin: germline. Not counted in ClinVar's aggregate classification.

Literature cited by the submitters: PubMed 23215817 (cited by Athena Diagnostics); PubMed 25756792 (cited by Athena Diagnostics); PubMed 25152487 (cited by Athena Diagnostics); PubMed 22736459 (cited by Athena Diagnostics); PubMed 21543613 (cited by Athena Diagnostics); PubMed 24116147 (cited by Athena Diagnostics); PubMed 22289912 (cited by Athena Diagnostics); PubMed 20712895 (cited by Athena Diagnostics); PubMed 28216058 (cited by Athena Diagnostics); PubMed 23912307 (cited by Athena Diagnostics); PubMed 18592334 (cited by Athena Diagnostics); PubMed 23734863 (cited by Athena Diagnostics); PubMed 19953606 (cited by Athena Diagnostics); PubMed 22933745 (cited by Athena Diagnostics); PubMed 35401678 (cited by Athena Diagnostics); PubMed 29915382 (cited by Athena Diagnostics); PubMed 25497598 (cited by Athena Diagnostics and OMIM); PubMed 32644043 (cited by Athena Diagnostics); PubMed 16501573 (cited by 4 submitters); DOI 10.3389/fgene.2022.782685 (cited by O&I group, Department of Genetics, University Medical Center of Groningen); PubMed 16135769 (cited by OMIM).

NM_004977.3(KCNC3):c.1259G>A (p.Arg420His)

Gene: KCNC3 (potassium voltage-gated channel subfamily C member 3; minus strand). Cytogenetic location: 19q13.33.
Variant type: single nucleotide variant.
Coding change: c.1259G>A on transcript NM_004977.3 (MANE Select); coding-DNA position 1259, G replaced by A.
Protein change: p.Arg420His; replaces arginine 420 with histidine.
Molecular consequence: missense variant.
Genome position (GRCh38, 1-based): chr19:50,323,694, C>T on the plus strand (G>A on the coding strand, the complement: KCNC3 is on the minus strand). VCF-style: chr19-50323694-C-T. GRCh37 (hg19) VCF-style: chr19-50826951-C-T.
Other names: c.1031G>A, p.Arg344His (NM_001372305.1); short protein forms R420H, R344H.
Identifiers: ClinVar variation 13473 (VCV000013473.57), dbSNP rs104894699, ClinGen allele CA256861.